The following is an entry in ClinVar:

NM_000138.5(FBN1):c.2995A>G (p.Arg999Gly)

Gene: FBN1 (fibrillin 1; minus strand). Cytogenetic location: 15q21.1.
Variant type: single nucleotide variant.
Coding change: c.2995A>G on transcript NM_000138.5 (MANE Select); coding-DNA position 2995, A replaced by G.
Protein change: p.Arg999Gly; replaces arginine 999 with glycine.
Molecular consequence: missense variant.
Genome position (GRCh38, 1-based): chr15:48,489,938, T>C on the plus strand (A>G on the coding strand, the complement: FBN1 is on the minus strand). VCF-style: chr15-48489938-T-C. GRCh37 (hg19) VCF-style: chr15-48782135-T-C.
Other names: c.2995A>G, p.Arg999Gly (NM_001406716.1); short protein forms R999G.
Identifiers: ClinVar variation 2773366 (VCV002773366.4), dbSNP rs765549411, ClinGen allele CA049537.

ClinVar aggregate classification (germline): Conflicting classifications of pathogenicity. Review status: criteria provided, conflicting classifications (1 of 4 stars). 2 submissions from 2 submitters: Uncertain significance (1); Likely benign (1). Last evaluated 2025-08-22.

Conditions:
Marfan syndrome (MFS). Also called: FBN1-Related Marfan Syndrome; MARFAN SYNDROME, TYPE I; Marfan syndrome type 1; Marfan's syndrome; Marfan syndrome, classic. Identifiers: Orphanet 284963, Orphanet 558, MedGen C0024796, MONDO:0007947, OMIM 154700.
Familial thoracic aortic aneurysm and aortic dissection (TAAD). Also called: Thoracic aortic aneurysms and dissections. Identifiers: Orphanet 91387, MedGen C4707243, MONDO:0019625.

Allele frequency attached by ClinVar (database versions not stated): TOPMed 0.00002; gnomAD 0.00003; gnomAD exomes below 0.00001; ExAC 0.00001.
gnomAD v4.1: 6 of 1,614,042 alleles (0.00037%); highest among the groups gnomAD compares: African/African-American, 0.008%; no homozygotes.

Submissions (2):

Color Diagnostics, LLC DBA Color Health
Classification: Uncertain significance for Familial thoracic aortic aneurysm and aortic dissection. Last evaluated: 2025-08-22. Review status: criteria provided, single submitter. Criteria: ACMG Guidelines, 2015. Collection method: clinical testing. Allele origin: germline.
Comment: This missense variant replaces arginine with glycine at codon 999 of the FBN1 protein. Computational prediction suggests that this variant may not impact protein structure and function. To our knowledge, functional studies have not been reported for this variant. This variant has not been reported in individuals affected with FBN1-related disorders in the literature. This variant has been identified in 2/251480 chromosomes in the general population by the Genome Aggregation Database (gnomAD). The available evidence is insufficient to determine the role of this variant in disease conclusively. Therefore, this variant is classified as a Variant of Uncertain Significance.

Labcorp Genetics (formerly Invitae), Labcorp
Classification: Likely benign for Marfan syndrome; Familial thoracic aortic aneurysm and aortic dissection. Last evaluated: 2025-08-13. Review status: criteria provided, single submitter. Criteria: Invitae Variant Classification Sherloc (09022015). Collection method: clinical testing. Allele origin: germline.